The following is an entry in ClinVar:

ClinVar aggregate classification (germline): Uncertain significance. Review status: criteria provided, multiple submitters, no conflicts (2 of 4 stars). 3 submissions from 3 submitters: Uncertain significance (3). Last evaluated 2025-11-15.

Conditions:
Familial cancer of breast. Also called: BREAST CANCER, FAMILIAL; hereditary breast carcinoma; Hereditary breast cancer. Identifiers: Orphanet 227535, MedGen C0346153, MONDO:0016419, OMIM 114480. Disease mechanism: loss of function.
Hereditary cancer-predisposing syndrome. Also called: Neoplastic Syndromes, Hereditary; Tumor predisposition; Hereditary Cancer Syndrome; Hereditary neoplastic syndrome. Identifiers: Orphanet 140162, MedGen C0027672, MeSH D009386, MONDO:0015356.

Allele frequency attached by ClinVar (database versions not stated): TOPMed below 0.00001; gnomAD 0.00001.
gnomAD v4.1: 1 of 1,613,966 alleles (0.000062%); highest among the groups gnomAD compares: African/African-American, 0.0013%; no homozygotes.

Submissions (3):

Ambry Genetics
Classification: Uncertain significance for Hereditary cancer-predisposing syndrome. Last evaluated: 2025-11-15. Review status: criteria provided, single submitter. Criteria: Ambry Variant Classification Scheme 2023. Collection method: clinical testing. Allele origin: germline.
Comment: The p.N380D variant (also known as c.1138A>G), located in coding exon 4 of the BARD1 gene, results from an A to G substitution at nucleotide position 1138. The asparagine at codon 380 is replaced by aspartic acid, an amino acid with highly similar properties. This amino acid position is poorly conserved in available vertebrate species. In addition, this alteration is predicted to be tolerated by in silico analysis. Since supporting evidence is limited at this time, the clinical significance of this alteration remains unclear.

Labcorp Genetics (formerly Invitae), Labcorp
Classification: Uncertain significance for Familial cancer of breast. Last evaluated: 2025-06-22. Review status: criteria provided, single submitter. Criteria: Invitae Variant Classification Sherloc (09022015). Collection method: clinical testing. Allele origin: germline.
Comment: This sequence change replaces asparagine, which is neutral and polar, with aspartic acid, which is acidic and polar, at codon 380 of the BARD1 protein (p.Asn380Asp). This variant is not present in population databases (gnomAD no frequency). This variant has not been reported in the literature in individuals affected with BARD1-related conditions. ClinVar contains an entry for this variant (Variation ID: 231119). An algorithm developed to predict the effect of missense changes on protein structure and function (PolyPhen-2) suggests that this variant is likely to be tolerated. In summary, the available evidence is currently insufficient to determine the role of this variant in disease. Therefore, it has been classified as a Variant of Uncertain Significance.

Women's Health and Genetics/Laboratory Corporation of America, LabCorp
Classification: Uncertain significance. Last evaluated: 2018-03-23. Review status: criteria provided, single submitter. Criteria: LabCorp Variant Classification Summary - May 2015. Collection method: clinical testing. Allele origin: germline.
Comment: Variant summary: BARD1 c.1138A>G (p.Asn380Asp) results in a conservative amino acid change in the encoded protein sequence. The variant is located outside of any known functional domain or repeat and five of five in-silico tools predict a benign effect of the variant on protein function. The variant was absent in 246090 control chromosomes. The available data on variant occurrences in the general population are insufficient to allow any conclusion about variant significance. To our knowledge, no occurrence of c.1138A>G in individuals affected with Hereditary Breast and Ovarian Cancer and no experimental evidence demonstrating its impact on protein function have been reported. One clinical diagnostic laboratory has submitted clinical-significance assessments for this variant to ClinVar after 2014 without evidence for independent evaluation, and classified the variant as uncertain significance. Based on the evidence outlined above, the variant was classified as uncertain significance.

NM_000465.4(BARD1):c.1138A>G (p.Asn380Asp)

Gene: BARD1 (BRCA1 associated RING domain 1; minus strand). Cytogenetic location: 2q35.
Variant type: single nucleotide variant.
Coding change: c.1138A>G on transcript NM_000465.4 (MANE Select); coding-DNA position 1138, A replaced by G.
Protein change: p.Asn380Asp; replaces asparagine 380 with aspartic acid.
Molecular consequence: missense variant. On other transcripts: non-coding transcript variant (2), intron variant (3).
Genome position (GRCh38, 1-based): chr2:214,780,736, T>C on the plus strand (A>G on the coding strand, the complement: BARD1 is on the minus strand). VCF-style: chr2-214780736-T-C. GRCh37 (hg19) VCF-style: chr2-215645460-T-C.
Other names: c.1081A>G, p.Asn361Asp (NM_001282543.2); c.159-28181A>G (NM_001282548.2); c.215+16325A>G (NM_001282545.2); c.364+11561A>G (NM_001282549.2); short protein forms N380D, N361D.
Identifiers: ClinVar variation 231119 (VCV000231119.17), dbSNP rs876658971, ClinGen allele CA10577822.